The following is an entry in ClinVar:

ClinVar aggregate classification (germline): Uncertain significance (1 of 4 stars; one submission).

Submission:

Labcorp Genetics (formerly Invitae), Labcorp
Classification: Uncertain significance. Last evaluated: 2024-08-09. Review status: criteria provided, single submitter. Criteria: Invitae Variant Classification Sherloc (09022015). Collection method: clinical testing. Allele origin: germline.
Comment: This sequence change replaces lysine, which is basic and polar, with arginine, which is basic and polar, at codon 345 of the ROM1 protein (p.Lys345Arg). This variant is not present in population databases (gnomAD no frequency). This variant has not been reported in the literature in individuals affected with ROM1-related conditions. An algorithm developed to predict the effect of missense changes on protein structure and function (PolyPhen-2) suggests that this variant is likely to be tolerated. In summary, the available evidence is currently insufficient to determine the role of this variant in disease. Therefore, it has been classified as a Variant of Uncertain Significance.

NM_000327.4(ROM1):c.1034A>G (p.Lys345Arg)

Gene: ROM1 (retinal outer segment membrane protein 1; plus strand). Cytogenetic location: 11q12.3.
Variant type: single nucleotide variant.
Coding change: c.1034A>G on transcript NM_000327.4 (MANE Select); coding-DNA position 1034, A replaced by G.
Protein change: p.Lys345Arg; replaces lysine 345 with arginine.
Molecular consequence: missense variant.
Genome position (GRCh38, 1-based): chr11:62,614,817, A>G. VCF-style: chr11-62614817-A-G. GRCh37 (hg19) VCF-style: chr11-62382289-A-G.
Other names: short protein forms K345R.
Identifiers: ClinVar variation 2802238 (VCV002802238.3), dbSNP rs774701469, ClinGen allele CA223036741.